The following is an entry in ClinVar:

NM_007118.4(TRIO):c.8979G>A (p.Leu2993=)

Gene: TRIO (trio Rho guanine nucleotide exchange factor; plus strand). Cytogenetic location: 5p15.2.
Variant type: single nucleotide variant.
Coding change: c.8979G>A on transcript NM_007118.4 (MANE Select); coding-DNA position 8979, G replaced by A.
Protein change: p.Leu2993=; no amino-acid change (leucine 2993 retained).
Molecular consequence: synonymous variant. On other transcripts: non-coding transcript variant (1).
Genome position (GRCh38, 1-based): chr5:14,508,107, G>A. VCF-style: chr5-14508107-G-A. GRCh37 (hg19) VCF-style: chr5-14508216-G-A.
Identifiers: ClinVar variation 1311923 (VCV001311923.2), dbSNP rs772698139, ClinGen allele CA3208022.

ClinVar aggregate classification (germline): Uncertain significance (1 of 4 stars; one submission).

Allele frequency attached by ClinVar (database versions not stated): gnomAD exomes below 0.00001 and 0.00001; ExAC 0.00001; gnomAD 0.00001; TOPMed 0.00002.
gnomAD v4.1: 6 of 1,614,090 alleles (0.00037%); highest among the groups gnomAD compares: Non-Finnish European, 0.00042%; no homozygotes.

Submission:

GeneDx
Classification: Uncertain significance. Last evaluated: 2020-01-14. Review status: criteria provided, single submitter. Criteria: GeneDx Variant Classification Process June 2021. Collection method: clinical testing. Allele origin: germline. Affected: yes.
Comment: In silico analysis, which includes splice predictors and evolutionary conservation, suggests this variant may impact gene splicing. In the absence of RNA/functional studies, the actual effect of this sequence change is unknown; Has not been previously published as pathogenic or benign to our knowledge